The following is an entry in ClinVar:

ClinVar aggregate classification (germline): Likely pathogenic (1 of 4 stars; one submission).

Conditions:
Anemia, nonspherocytic hemolytic, due to G6PD deficiency (CNSHA1). Also called: Hemolytic anemia due to G6PD deficiency; Class I glucose-6-phosphate dehydrogenase deficiency; Favism, susceptibility to; ANEMIA, CONGENITAL, NONSPHEROCYTIC HEMOLYTIC, 1. Identifiers: Orphanet 466026, MedGen C2720289, MONDO:0010480, OMIM 300908.

Submission:

Dunham Lab, University of Washington
Classification: Likely pathogenic for Anemia, nonspherocytic hemolytic, due to G6PD deficiency. Last evaluated: 2022-08-12. Review status: criteria provided, single submitter. Criteria: Bayesian ACMG Guidelines, 2018. Collection method: curation. Allele origin: maternal. Affected: yes.
Comment: Decreased actvity in red blood cells (3%) (PS3). Not found in gnomAD (PM2). Post_P 0.975 (odds of pathogenicity 350.3, Prior_P 0.1).

Literature cited by the submitters: PubMed 16079115.

NM_001360016.2(G6PD):c.1366G>C (p.Asp456His)

Gene: G6PD (glucose-6-phosphate dehydrogenase; minus strand). Cytogenetic location: Xq28.
Variant type: single nucleotide variant.
Coding change: c.1366G>C on transcript NM_001360016.2 (MANE Select); coding-DNA position 1366, G replaced by C.
Protein change: p.Asp456His; replaces aspartic acid 456 with histidine.
Molecular consequence: missense variant.
Genome position (GRCh38, 1-based): chrX:154,532,279, C>G on the plus strand (G>C on the coding strand, the complement: G6PD is on the minus strand). VCF-style: chrX-154532279-C-G. GRCh37 (hg19) VCF-style: chrX-153760494-C-G.
Other names: G6PD Figueira da Foz; c.1456G>C, p.Asp486His (NM_000402.4); c.1366G>C, p.Asp456His (NM_001042351.3); short protein forms D456H, D486H.
Identifiers: ClinVar variation 1722631 (VCV001722631.2), dbSNP rs782317415, ClinGen allele CA415232711.